The following is an entry in ClinVar:

NM_000094.4(COL7A1):c.5497G>A (p.Gly1833Ser)

Gene: COL7A1 (collagen type VII alpha 1 chain; minus strand). Cytogenetic location: 3p21.31.
Variant type: single nucleotide variant.
Coding change: c.5497G>A on transcript NM_000094.4 (MANE Select); coding-DNA position 5497, G replaced by A.
Protein change: p.Gly1833Ser; replaces glycine 1833 with serine.
Molecular consequence: missense variant.
Genome position (GRCh38, 1-based): chr3:48,578,356, C>T on the plus strand (G>A on the coding strand, the complement: COL7A1 is on the minus strand). VCF-style: chr3-48578356-C-T. GRCh37 (hg19) VCF-style: chr3-48615789-C-T.
Other names: short protein forms G1833S.
Identifiers: ClinVar variation 4767977 (VCV004767977.1).

ClinVar aggregate classification (germline): Uncertain significance (1 of 4 stars; one submission).

Submission:

Labcorp Genetics (formerly Invitae), Labcorp
Classification: Uncertain significance. Last evaluated: 2025-05-27. Review status: criteria provided, single submitter. Criteria: Invitae Variant Classification Sherloc (09022015). Collection method: clinical testing. Allele origin: germline.
Comment: This sequence change replaces glycine, which is neutral and non-polar, with serine, which is neutral and polar, at codon 1833 of the COL7A1 protein (p.Gly1833Ser). This variant is not present in population databases (gnomAD no frequency). This variant has not been reported in the literature in individuals affected with COL7A1-related conditions. Invitae Evidence Modeling of protein sequence and biophysical properties (such as structural, functional, and spatial information, amino acid conservation, physicochemical variation, residue mobility, and thermodynamic stability) indicates that this missense variant is expected to disrupt COL7A1 protein function with a positive predictive value of 95%. This variant disrupts the triple helix domain of COL7A1. Glycine residues within the Gly-Xaa-Yaa repeats of the triple helix domain are required for the structure and stability of fibrillar collagens (PMID: 7695699, 8218237, 19344236), and variants at these glycine residues in COL7A1 are more frequently observed in individuals with disease than in the general population (PMID: 22058051). However, the clinical significance of this observation remains uncertain since only a limited number of affected individuals have been described to date. In summary, the available evidence is currently insufficient to determine the role of this variant in disease. Therefore, it has been classified as a Variant of Uncertain Significance.

Literature cited by the submitters: PubMed 7695699; PubMed 8218237; PubMed 19344236; PubMed 22058051.